The following is an entry in ClinVar:

NM_001371623.1(TCOF1):c.2553del (p.Lys852fs)

Gene: TCOF1 (treacle ribosome biogenesis factor 1; plus strand). Cytogenetic location: 5q32.
Variant type: Deletion.
Coding change: c.2553del on transcript NM_001371623.1 (MANE Select); coding-DNA position 2553, one base deleted (G; older notation c.2553delG).
Protein change: p.Lys852fs; shifts the reading frame from lysine 852.
Molecular consequence: frameshift variant.
Genome position (GRCh38, 1-based): chr5:150,379,303, G deleted; the last of 4 consecutive G bases (chr5:150,379,300-150,379,303); deleting any one gives the same sequence. VCF-style (leftmost placement, unchanged base first): chr5-150379299-TG-T. GRCh37 (hg19) VCF-style: chr5-149758862-TG-T.
Other names: c.2322del, p.Lys775fs (NM_000356.4, NM_001135245.2); c.2553del, p.Lys852fs (NM_001008657.3, NM_001135243.2, NM_001135244.2 and 1 more transcripts); short protein forms K775fs, K852fs.
Identifiers: ClinVar variation 1995591 (VCV001995591.4), dbSNP rs2533671671, ClinGen allele CA2580073878.

ClinVar aggregate classification (germline): Pathogenic (1 of 4 stars; one submission).

Conditions:
Treacher Collins syndrome 1 (TCS1). Also called: TCOF1-Related Treacher Collins Syndrome. Identifiers: Orphanet 861, MedGen CN315775, MONDO:0007944, OMIM 154500.

Submission:

Labcorp Genetics (formerly Invitae), Labcorp
Classification: Pathogenic for Treacher Collins syndrome 1. Last evaluated: 2022-05-17. Review status: criteria provided, single submitter. Criteria: Invitae Variant Classification Sherloc (09022015). Collection method: clinical testing. Allele origin: germline.
Comment: This sequence change creates a premature translational stop signal (p.Lys852Argfs*36) in the TCOF1 gene. It is expected to result in an absent or disrupted protein product. Loss-of-function variants in TCOF1 are known to be pathogenic (PMID: 8894686, 22317976). This variant is not present in population databases (gnomAD no frequency). This variant has not been reported in the literature in individuals affected with TCOF1-related conditions. For these reasons, this variant has been classified as Pathogenic.

Literature cited by the submitters: PubMed 8894686; PubMed 22317976.